The following is an entry in ClinVar:

ClinVar aggregate classification (germline): Uncertain significance (1 of 4 stars; one submission).

Conditions:
Aicardi-Goutieres syndrome 7 (AGS7). Identifiers: Orphanet 51, MedGen C3888244, MONDO:0014367, OMIM 615846.
Singleton-Merten syndrome 1 (SGMRT1). Also called: Widened medullary cavities of bone, aortic calcification, abnormal dentition, and muscular weakness; Syndrome of widened medullary cavities of the metacarpals and phalanges, aortic calcification and abnormal dentition. Identifiers: Orphanet 85191, MedGen C4225427, MONDO:0024535, OMIM 182250.

gnomAD v4.1: 12 of 1,613,832 alleles (0.00074%); highest among the groups gnomAD compares: Non-Finnish European, 0.001%; no homozygotes.

Submission:

Labcorp Genetics (formerly Invitae), Labcorp
Classification: Uncertain significance for Aicardi-Goutieres syndrome 7; Singleton-Merten syndrome 1. Last evaluated: 2026-01-09. Review status: criteria provided, single submitter. Criteria: Invitae Variant Classification Sherloc (09022015). Collection method: clinical testing. Allele origin: germline.
Comment: This sequence change replaces aspartic acid, which is acidic and polar, with asparagine, which is neutral and polar, at codon 127 of the IFIH1 protein (p.Asp127Asn). This variant is present in population databases (rs745423005, gnomAD 0.002%). This variant has not been reported in the literature in individuals affected with IFIH1-related conditions. An algorithm developed to predict the effect of missense changes on protein structure and function outputs the following: PolyPhen-2: "Benign". The asparagine amino acid residue is found in multiple mammalian species, which suggests that this missense change does not adversely affect protein function. In summary, the available evidence is currently insufficient to determine the role of this variant in disease. Therefore, it has been classified as a Variant of Uncertain Significance.

NM_022168.4(IFIH1):c.379G>A (p.Asp127Asn)

Gene: IFIH1 (interferon induced with helicase C domain 1; minus strand). Cytogenetic location: 2q24.2.
Variant type: single nucleotide variant.
Coding change: c.379G>A on transcript NM_022168.4 (MANE Select); coding-DNA position 379, G replaced by A.
Protein change: p.Asp127Asn; replaces aspartic acid 127 with asparagine.
Molecular consequence: missense variant.
Genome position (GRCh38, 1-based): chr2:162,317,929, C>T on the plus strand (G>A on the coding strand, the complement: IFIH1 is on the minus strand). VCF-style: chr2-162317929-C-T. GRCh37 (hg19) VCF-style: chr2-163174439-C-T.
Other names: short protein forms D127N.
Identifiers: ClinVar variation 4783060 (VCV004783060.1).